The following is an entry in ClinVar:

ClinVar aggregate classification (germline): Likely pathogenic (1 of 4 stars; one submission).

Conditions:
Usher syndrome type 1 (USH1). Also called: RETINITIS PIGMENTOSA AND CONGENITAL DEAFNESS. Identifiers: Orphanet 231169, Orphanet 886, MedGen C1568247, MONDO:0010168, OMIM 276900.

Submission:

Human Genetics Bochum, Ruhr University Bochum
Classification: Likely pathogenic for Usher syndrome type 1. Last evaluated: 2025-11-12. Review status: criteria provided, single submitter. Criteria: ACMG Guidelines, 2015. Collection method: clinical testing. Allele origin: germline. Affected: yes.
Comment: in homozygous state; ACMG criteria used to clasify this variant: PVS1, PM2_SUP

NM_000260.4(MYO7A):c.5857del

Gene: MYO7A (myosin VIIA; plus strand). Cytogenetic location: 11q13.5.
Variant type: Deletion.
Coding change: c.5857del on transcript NM_000260.4 (MANE Select); coding-DNA position 5857, one base deleted (G; older notation c.5857delG).
Molecular consequence: splice acceptor variant.
Genome position (GRCh38, 1-based): chr11:77,208,430, G deleted; the last of 2 consecutive G bases (chr11:77,208,429-77,208,430); deleting either gives the same sequence. VCF-style (leftmost placement, unchanged base first): chr11-77208428-AG-A. GRCh37 (hg19) VCF-style: chr11-76919473-AG-A.
Identifiers: ClinVar variation 4687970 (VCV004687970.1).